The following is an entry in ClinVar:

ClinVar aggregate classification (germline): Benign (1 of 4 stars; one submission).

Allele frequency attached by ClinVar (database versions not stated): TOPMed 0.00190; 1000 Genomes Project 0.00220; 1000 Genomes Project 30x 0.00234.

Submission:

CeGaT Center for Human Genetics Tuebingen
Classification: Benign. Last evaluated: 2023-05-01. Review status: criteria provided, single submitter. Criteria: CeGaT Center For Human Genetics Tuebingen Variant Classification Criteria Version 2. Collection method: clinical testing. Allele origin: germline. Affected: yes. Observed: 1 variant allele.
Comment: EFHC1: BS1, BS2

NC_000006.12:g.52413132G>T

Gene: EFHC1 (EF-hand domain containing 1; plus strand). Cytogenetic location: 6p12.2.
Variant type: single nucleotide variant.
Genome position: GRCh38 VCF-style: chr6-52413132-G-T. GRCh37 (hg19) VCF-style: chr6-52277930-G-T.
Identifiers: ClinVar variation 2656640 (VCV002656640.24), dbSNP rs193054380, ClinGen allele CA138978984.
Genomic context (GRCh38, chr6:52,413,132, plus strand): 5'-ACACATAGACACACACAGGGGACAGCATCATGTGACAATGTAGGCAGAGATGGGAGTTAT[G>T]TATCTGCAAGCTAAAGAGTGCCAAGGATTTCTGGTAATAAGCAGAAACTGGGGGATGGGG-3'